The following is an entry in ClinVar:

NM_002497.4(NEK2):c.832G>A (p.Glu278Lys)

Gene: NEK2 (NIMA related kinase 2; minus strand). Cytogenetic location: 1q32.3.
Variant type: single nucleotide variant.
Coding change: c.832G>A on transcript NM_002497.4 (MANE Select); coding-DNA position 832, G replaced by A.
Protein change: p.Glu278Lys; replaces glutamic acid 278 with lysine.
Molecular consequence: missense variant.
Genome position (GRCh38, 1-based): chr1:211,669,266, C>T on the plus strand (G>A on the coding strand, the complement: NEK2 is on the minus strand). VCF-style: chr1-211669266-C-T. GRCh37 (hg19) VCF-style: chr1-211842608-C-T.
Other names: c.832G>A, p.Glu278Lys (NM_001204182.2, NM_001204183.2); c.832G>A (NM_002497.3); short protein forms E278K.
Identifiers: ClinVar variation 1425260 (VCV001425260.9), dbSNP rs757031845, ClinGen allele CA1381579.

ClinVar aggregate classification (germline): Uncertain significance. Review status: criteria provided, multiple submitters, no conflicts (2 of 4 stars). 2 submissions from 2 submitters: Uncertain significance (2). Last evaluated 2025-09-09.

Allele frequency attached by ClinVar (database versions not stated): ExAC 0.00001; gnomAD exomes 0.00001 and 0.00002; gnomAD 0.00002; 1000 Genomes Project 30x 0.00016.
gnomAD v4.1: 30 of 1,614,138 alleles (0.0019%); highest among the groups gnomAD compares: South Asian, 0.012%; no homozygotes.

Submissions (2):

Labcorp Genetics (formerly Invitae), Labcorp
Classification: Uncertain significance. Last evaluated: 2025-09-09. Review status: criteria provided, single submitter. Criteria: Invitae Variant Classification Sherloc (09022015). Collection method: clinical testing. Allele origin: germline.
Comment: This sequence change replaces glutamic acid, which is acidic and polar, with lysine, which is basic and polar, at codon 278 of the NEK2 protein (p.Glu278Lys). This variant is present in population databases (rs757031845, gnomAD 0.006%). This variant has not been reported in the literature in individuals affected with NEK2-related conditions. ClinVar contains an entry for this variant (Variation ID: 1425260). An algorithm developed to predict the effect of missense changes on protein structure and function (PolyPhen-2) suggests that this variant is likely to be tolerated. In summary, the available evidence is currently insufficient to determine the role of this variant in disease. Therefore, it has been classified as a Variant of Uncertain Significance.

Ambry Genetics
Classification: Uncertain significance. Last evaluated: 2025-03-08. Review status: criteria provided, single submitter. Criteria: Ambry Variant Classification Scheme 2023. Collection method: clinical testing. Allele origin: germline.